The following is an entry in ClinVar:

ClinVar aggregate classification (germline): Likely benign. Review status: criteria provided, multiple submitters, no conflicts (2 of 4 stars). 2 submissions from 2 submitters: Likely benign (2). Last evaluated 2025-09-03.

Conditions:
Methylcobalamin deficiency type cblE (HMAE). Also called: HOMOCYSTINURIA-MEGALOBLASTIC ANEMIA, cblE COMPLEMENTATION TYPE; HOMOCYSTINURIA-MEGALOBLASTIC ANEMIA, cblE TYPE; VITAMIN B12-RESPONSIVE HOMOCYSTINURIA, cblE TYPE. Identifiers: Orphanet 2169, Orphanet 622, MedGen C1856057, MONDO:0009354, OMIM 236270.

Allele frequency attached by ClinVar (database versions not stated): gnomAD 0.00006 and 0.00008; gnomAD exomes 0.00007 and 0.00011; TOPMed 0.00007; ESP Exome Variant Server 0.00008; ExAC 0.00014; 1000 Genomes Project 30x 0.00016; 1000 Genomes Project 0.00020.
gnomAD v4.1: 110 of 1,589,036 alleles (0.0069%); highest among the groups gnomAD compares: South Asian, 0.045%; no homozygotes.

Submissions (2):

Labcorp Genetics (formerly Invitae), Labcorp
Classification: Likely benign for Methylcobalamin deficiency type cblE. Last evaluated: 2025-09-03. Review status: criteria provided, single submitter. Criteria: Invitae Variant Classification Sherloc (09022015). Collection method: clinical testing. Allele origin: germline.

GeneDx
Classification: Likely benign. Last evaluated: 2017-01-25. Review status: criteria provided, single submitter. Criteria: GeneDx Variant Classification (06012015). Collection method: clinical testing. Allele origin: germline. Affected: yes.
Comment: This variant is considered likely benign or benign based on one or more of the following criteria: it is a conservative change, it occurs at a poorly conserved position in the protein, it is predicted to be benign by multiple in silico algorithms, and/or has population frequency not consistent with disease.

NM_002454.3(MTRR):c.1370+18C>T

Gene: MTRR (5-methyltetrahydrofolate-homocysteine methyltransferase reductase; plus strand). Cytogenetic location: 5p15.31.
Variant type: single nucleotide variant.
Coding change: c.1370+18C>T on transcript NM_002454.3 (MANE Select); 18 bases into the intron after coding-DNA position 1370, C replaced by T.
Molecular consequence: intron variant.
Genome position (GRCh38, 1-based): chr5:7,891,432, C>T. VCF-style: chr5-7891432-C-T. GRCh37 (hg19) VCF-style: chr5-7891545-C-T.
Other names: c.1370+18C>T (NM_001364440.2, NM_001364441.2, NM_001364442.2 and 1 more transcripts).
Identifiers: ClinVar variation 506779 (VCV000506779.10), dbSNP rs374485961, ClinGen allele CA3195926.